The following is an entry in ClinVar:

ClinVar aggregate classification (germline): Likely benign. Review status: criteria provided, multiple submitters, no conflicts (2 of 4 stars). 3 submissions from 3 submitters: Likely benign (3). Last evaluated 2025-04-02.

Conditions:
Familial sleep-related hypermotor epilepsy. Also called: Autosomal Dominant Sleep-Related Hypermotor (Hyperkinetic) Epilepsy. Identifiers: Orphanet 98784, MedGen C3696898, MONDO:0000030.

Allele frequency attached by ClinVar (database versions not stated): ExAC 0.00001; gnomAD exomes 0.00002.
gnomAD v4.1: 27 of 1,607,928 alleles (0.0017%); highest among the groups gnomAD compares: Admixed American, 0.0034%; no homozygotes.

Submissions (3):

Labcorp Genetics (formerly Invitae), Labcorp
Classification: Likely benign. Last evaluated: 2025-04-02. Review status: criteria provided, single submitter. Criteria: Invitae Variant Classification Sherloc (09022015). Collection method: clinical testing. Allele origin: germline.

Blueprint Genetics
Classification: Likely benign. Last evaluated: 2024-05-14. Review status: criteria provided, single submitter. Criteria: ACMG Guidelines, 2015. Collection method: clinical testing. Allele origin: germline.

GeneDx
Classification: Likely benign. Last evaluated: 2018-03-15. Review status: criteria provided, single submitter. Criteria: GeneDx Variant Classification (06012015). Collection method: clinical testing. Allele origin: germline. Affected: yes.
Comment: This variant is considered likely benign or benign based on one or more of the following criteria: it is a conservative change, it occurs at a poorly conserved position in the protein, it is predicted to be benign by multiple in silico algorithms, and/or has population frequency not consistent with disease.

NM_000748.3(CHRNB2):c.1035G>T (p.Ala345=)

Gene: CHRNB2 (cholinergic receptor nicotinic beta 2 subunit; plus strand). Cytogenetic location: 1q21.3.
Variant type: single nucleotide variant.
Coding change: c.1035G>T on transcript NM_000748.3 (MANE Select); coding-DNA position 1035, G replaced by T.
Protein change: p.Ala345=; no amino-acid change (alanine 345 retained).
Molecular consequence: synonymous variant.
Genome position (GRCh38, 1-based): chr1:154,571,858, G>T. VCF-style: chr1-154571858-G-T. GRCh37 (hg19) VCF-style: chr1-154544334-G-T.
Identifiers: ClinVar variation 680353 (VCV000680353.12), dbSNP rs778458803, ClinGen allele CA1130816.
Genomic context (GRCh38, chr1:154,571,858, plus strand): 5'-GCCCACCACGCACACCATGGCGCCCTGGGTGAAGGTCGTCTTCCTGGAGAAGCTGCCCGC[G>T]CTGCTCTTCATGCAGCAGCCACGCCATCATTGCGCCCGTCAGCGCCTGCGCCTGCGGCGA-3'
Protein context (NP_000739.1, residues 335-355): VKVVFLEKLP[Ala345=]LLFMQQPRHH